The following is an entry in ClinVar:

NM_021620.4(PRDM13):c.1413C>G (p.Tyr471Ter)

Gene: PRDM13 (PR/SET domain 13; plus strand). Cytogenetic location: 6q16.2.
Variant type: single nucleotide variant.
Coding change: c.1413C>G on transcript NM_021620.4 (MANE Select); coding-DNA position 1413, C replaced by G.
Protein change: p.Tyr471Ter; replaces tyrosine 471 with a stop codon.
Molecular consequence: nonsense.
Genome position (GRCh38, 1-based): chr6:99,614,048, C>G. VCF-style: chr6-99614048-C-G. GRCh37 (hg19) VCF-style: chr6-100061924-C-G.
Other names: short protein forms Y471*.
Identifiers: ClinVar variation 4850436 (VCV004850436.1).

ClinVar aggregate classification (germline): Likely pathogenic (1 of 4 stars; one submission).

Conditions:
Cerebellar dysfunction, impaired intellectual development, and hypogonadotropic hypogonadism (CDIDHH). Identifiers: MedGen C5676924, MONDO:0859229, OMIM 619761.
Pontocerebellar hypoplasia, IIA 17. Also called: PONTOCEREBELLAR HYPOPLASIA, TYPE 17. Identifiers: MedGen C5676999, MONDO:0030890, OMIM 619909.

Submission:

First Genomix Gene Laboratory, Genetic Diagnostics Department
Classification: Likely pathogenic for Cerebellar dysfunction, impaired intellectual development, and hypogonadotropic hypogonadism; Pontocerebellar hypoplasia, IIA 17. Last evaluated: 2025-09-24. Review status: criteria provided, single submitter. Criteria: ACMG Guidelines, 2015. Collection method: clinical testing. Allele origin: germline. Inheritance: Autosomal recessive inheritance. Affected: no. Observed: 1 variant allele.